The following is an entry in ClinVar:

NM_001563.4(IMPG1):c.667-3C>T

Gene: IMPG1 (interphotoreceptor matrix proteoglycan 1; minus strand). Cytogenetic location: 6q14.1.
Variant type: single nucleotide variant.
Coding change: c.667-3C>T on transcript NM_001563.4 (MANE Select); 3 bases into the intron before coding-DNA position 667, C replaced by T.
Molecular consequence: intron variant.
Genome position (GRCh38, 1-based): chr6:76,018,861, G>A on the plus strand (C>T on the coding strand, the complement: IMPG1 is on the minus strand). VCF-style: chr6-76018861-G-A. GRCh37 (hg19) VCF-style: chr6-76728578-G-A.
Other names: c.433-3C>T (NM_001282368.2).
Identifiers: ClinVar variation 1045838 (VCV001045838.9), dbSNP rs1783347327, ClinGen allele CA1090691493.
Genomic context (GRCh38, chr6:76,018,861, plus strand): 5'-GAGAGACGCTGAGCTCCACCCTCTGCTCCTCCAACACAGCGAATTCTGTTTCTCTTTCCT[G>A]AGTTTAAAAAAAAAAAAAAGGACTTCTGTTAACCTAAACCACAAATAAATGGTTATTTTA-3'

ClinVar aggregate classification (germline): Uncertain significance (1 of 4 stars; one submission).

Submission:

Labcorp Genetics (formerly Invitae), Labcorp
Classification: Uncertain significance. Last evaluated: 2022-11-22. Review status: criteria provided, single submitter. Criteria: Invitae Variant Classification Sherloc (09022015). Collection method: clinical testing. Allele origin: germline.
Comment: In summary, the available evidence is currently insufficient to determine the role of this variant in disease. Therefore, it has been classified as a Variant of Uncertain Significance. Variants that disrupt the consensus splice site are a relatively common cause of aberrant splicing (PMID: 17576681, 9536098). Algorithms developed to predict the effect of sequence changes on RNA splicing suggest that this variant is not likely to affect RNA splicing. ClinVar contains an entry for this variant (Variation ID: 1045838). This variant has not been reported in the literature in individuals affected with IMPG1-related conditions. This variant is not present in population databases (gnomAD no frequency). This sequence change falls in intron 6 of the IMPG1 gene. It does not directly change the encoded amino acid sequence of the IMPG1 protein. It affects a nucleotide within the consensus splice site.

Literature cited by the submitters: PubMed 17576681; PubMed 9536098.